The following is an entry in ClinVar:

NM_004360.5(CDH1):c.674T>C (p.Ile225Thr)

Gene: CDH1 (cadherin 1; plus strand). Cytogenetic location: 16q22.1.
Variant type: single nucleotide variant.
Coding change: c.674T>C on transcript NM_004360.5 (MANE Select); coding-DNA position 674, T replaced by C.
Protein change: p.Ile225Thr; replaces isoleucine 225 with threonine.
Molecular consequence: missense variant. On other transcripts: 5 prime UTR variant (2).
Genome position (GRCh38, 1-based): chr16:68,808,835, T>C. VCF-style: chr16-68808835-T-C. GRCh37 (hg19) VCF-style: chr16-68842738-T-C.
Other names: c.674T>C (LRG_301t1); c.674T>C, p.Ile225Thr (NM_001317184.2); c.-942T>C (NM_001317185.2); c.-1146T>C (NM_001317186.2); short protein forms I225T.
Identifiers: ClinVar variation 186769 (VCV000186769.22), dbSNP rs786203207, ClinGen allele CA195818.

ClinVar aggregate classification (germline): Uncertain significance. Review status: criteria provided, multiple submitters, no conflicts (2 of 4 stars). 7 submissions from 7 submitters: Uncertain significance (7). Last evaluated 2025-10-13.

Conditions:
Familial cancer of breast. Also called: BREAST CANCER, FAMILIAL; Hereditary breast cancer; hereditary breast carcinoma. Identifiers: Orphanet 227535, MedGen C0346153, MONDO:0016419, OMIM 114480. Disease mechanism: loss of function.
Ovarian cancer. Also called: OVARIAN CANCER, SOMATIC. Identifiers: Orphanet 213500, MedGen C1140680, MONDO:0008170, OMIM 167000.
Breast and/or ovarian cancer. Identifiers: MedGen CN221562.
Hereditary diffuse gastric adenocarcinoma (HDGC). Also called: DIFFUSE GASTRIC AND LOBULAR BREAST CANCER SYNDROME. Identifiers: Orphanet 26106, MedGen C1708349, MONDO:0007648, OMIM 137215.
Hereditary cancer-predisposing syndrome. Also called: Hereditary Cancer Syndrome; Neoplastic Syndromes, Hereditary; Tumor predisposition; Hereditary neoplastic syndrome. Identifiers: Orphanet 140162, MedGen C0027672, MeSH D009386, MONDO:0015356.

Allele frequency attached by ClinVar (database versions not stated): gnomAD exomes below 0.00001 and 0.00001; TOPMed below 0.00001.
gnomAD v4.1: 10 of 1,614,018 alleles (0.00062%); highest among the groups gnomAD compares: Non-Finnish European, 0.00085%; no homozygotes.

Submissions (7):

Labcorp Genetics (formerly Invitae), Labcorp
Classification: Uncertain significance for Hereditary diffuse gastric adenocarcinoma. Last evaluated: 2025-10-13. Review status: criteria provided, single submitter. Criteria: Invitae Variant Classification Sherloc (09022015). Collection method: clinical testing. Allele origin: germline.
Comment: This sequence change replaces isoleucine, which is neutral and non-polar, with threonine, which is neutral and polar, at codon 225 of the CDH1 protein (p.Ile225Thr). This variant is present in population databases (rs786203207, gnomAD 0.002%). This missense change has been observed in individual(s) with personal and/or family history of breast cancer, ovarian cancer, or pancreatic cancer (PMID: 32957588, 34299313, 36436516). ClinVar contains an entry for this variant (Variation ID: 186769). An algorithm developed to predict the effect of missense changes on protein structure and function (PolyPhen-2) suggests that this variant is likely to be disruptive. In summary, the available evidence is currently insufficient to determine the role of this variant in disease. Therefore, it has been classified as a Variant of Uncertain Significance.

Ambry Genetics
Classification: Uncertain significance for Hereditary cancer-predisposing syndrome. Last evaluated: 2025-09-09. Review status: criteria provided, single submitter. Criteria: Ambry Variant Classification Scheme 2023. Collection method: clinical testing. Allele origin: germline.
Comment: The p.I225T variant (also known as c.674T>C), located in coding exon 5 of the CDH1 gene, results from a T to C substitution at nucleotide position 674. The isoleucine at codon 225 is replaced by threonine, an amino acid with similar properties. This amino acid position is well conserved in available vertebrate species. In addition, the in silico prediction for this alteration is inconclusive. Based on the available evidence, the clinical significance of this variant remains unclear.

Color Diagnostics, LLC DBA Color Health
Classification: Uncertain significance for Hereditary cancer-predisposing syndrome. Last evaluated: 2024-03-04. Review status: criteria provided, single submitter. Criteria: ACMG Guidelines, 2015. Collection method: clinical testing. Allele origin: germline.
Comment: This missense variant replaces isoleucine with threonine at codon 225 of the CDH1 protein. To our knowledge, functional studies have not been reported for this variant. This variant has been reported in individuals with a personal and/or family history of breast, ovarian, or pancreatic cancer (PMID: 32957588, 36436516). This variant has been identified in 1/250900 chromosomes in the general population by the Genome Aggregation Database (gnomAD). The available evidence is insufficient to determine the role of this variant in disease conclusively. Therefore, this variant is classified as a Variant of Uncertain Significance.

CHEO Genetics Diagnostic Laboratory, Children's Hospital of Eastern Ontario
Classification: Uncertain significance for Breast and/or ovarian cancer. Last evaluated: 2023-06-30. Review status: criteria provided, single submitter. Criteria: ACMG Guidelines, 2015. Collection method: clinical testing. Allele origin: germline.

European Reference Network on Genetic Tumour Risk Syndromes (ERN-GENTURIS), i3s - Instituto de Investigação e Inovação em Saúde, University of Porto
Classification: Uncertain significance for Hereditary diffuse gastric adenocarcinoma. Last evaluated: 2022-08-01. Review status: criteria provided, single submitter. Criteria: Lee et al. (Hum Mutat. 2018). Collection method: clinical testing. Allele origin: germline. Inheritance: Autosomal dominant inheritance. Affected: no. Study: ERN GENTURIS.
Comment: PM2; BS2_Supporting (PMID: 30311375)

Women's Health and Genetics/Laboratory Corporation of America, LabCorp
Classification: Uncertain significance. Last evaluated: 2022-01-29. Review status: criteria provided, single submitter. Criteria: LabCorp Variant Classification Summary - May 2015. Collection method: clinical testing. Allele origin: germline.
Comment: Variant summary: CDH1 c.674T>C (p.Ile225Thr) results in a non-conservative amino acid change located in the Cadherin-like domain (IPR002126) of the encoded protein sequence. Three of five in-silico tools predict a benign effect of the variant on protein function. The variant allele was found at a frequency of 4e-06 in 250900 control chromosomes. The available data on variant occurrences in the general population are insufficient to allow any conclusion about variant significance. c.674T>C has been reported in the literature as a VUS in settings of multigene panel testing among individuals with infiltrating ductal carcinoma (IDC)/breast cancer (example, Germani_2020, Guglielmi_2021). These report(s) do not provide unequivocal conclusions about association of the variant with CDH1-related Hereditary Diffuse Gastric Cancer/Lobular Breast Cancer. To our knowledge, no experimental evidence demonstrating an impact on protein function has been reported. Three clinical diagnostic laboratories have submitted clinical-significance assessments for this variant to ClinVar after 2014 without evidence for independent evaluation. All laboratories classified the variant as uncertain significance. Based on the evidence outlined above, the variant was classified as uncertain significance.

Department of Pathology and Laboratory Medicine, Sinai Health System
Classification: Uncertain significance for Familial cancer of breast; Ovarian cancer. Last evaluated: 2021-06-18. Review status: criteria provided, single submitter. Criteria: ACMG Guidelines, 2015. Collection method: clinical testing. Allele origin: germline. Affected: yes.

Literature cited by the submitters: PubMed 32957588 (cited by 3 submitters); PubMed 34299313 (cited by Labcorp Genetics (formerly Invitae), Labcorp and Women's Health and Genetics/Laboratory Corporation of America, LabCorp); PubMed 36436516 (cited by 3 submitters).